The following is an entry in ClinVar:

NM_007294.4(BRCA1):c.3170G>A (p.Ser1057Asn)

Gene: BRCA1 (BRCA1 DNA repair associated; minus strand). Cytogenetic location: 17q21.31.
Variant type: single nucleotide variant.
Coding change: c.3170G>A on transcript NM_007294.4 (MANE Select); coding-DNA position 3170, G replaced by A.
Protein change: p.Ser1057Asn; replaces serine 1057 with asparagine.
Molecular consequence: missense variant. On other transcripts: intron variant (137).
Genome position (GRCh38, 1-based): chr17:43,092,361, C>T on the plus strand (G>A on the coding strand, the complement: BRCA1 is on the minus strand). VCF-style: chr17-43092361-C-T. GRCh37 (hg19) VCF-style: chr17-41244378-C-T.
Other names: c.3170G>A, p.Ser1057Asn (NM_001407623.1, NM_001407624.1, NM_001407625.1 and 30 more transcripts); c.3167G>A, p.Ser1056Asn (NM_001407627.1, NM_001407628.1, NM_001407629.1 and 22 more transcripts); c.3161G>A, p.Ser1054Asn (NM_001407646.1, NM_001407647.1); c.3047G>A, p.Ser1016Asn (NM_001407648.1, NM_001407664.1, NM_001407665.1 and 19 more transcripts); c.3044G>A, p.Ser1015Asn (NM_001407649.1, NM_001407670.1, NM_001407671.1 and 11 more transcripts); c.3092G>A, p.Ser1031Asn (NM_001407653.1, NM_001407654.1, NM_001407655.1 and 4 more transcripts); c.3089G>A, p.Ser1030Asn (NM_001407659.1, NM_001407660.1, NM_001407661.1 and 1 more transcripts); c.3029G>A, p.Ser1010Asn (NM_001407692.1, NM_001407694.1, NM_001407695.1 and 29 more transcripts); and 41 more; short protein forms S1057N, S1010N, S1015N, S1016N, S1056N, S945N, S968N, S987N.
Identifiers: ClinVar variation 156191 (VCV000156191.22), dbSNP rs587776487, ClinGen allele CA002068.
Genomic context (GRCh38, chr17:43,092,361, plus strand): 5'-CCTCTGTTTCTACCTAGTTCTGCTTGAATGTTTTCATCACTGGAACCTATTTCATTAATA[C>T]TGGAGCCCACTTCATTAGTACTGGAACCTACTTCATTAATATTGCTTGAGCTGGCTTCTT-3'
Protein context (NP_009225.1, residues 1047-1067): VGSSTNEVGS[Ser1057Asn]INEIGSSDEN

ClinVar aggregate classification (germline): Conflicting classifications of pathogenicity. Review status: criteria provided, conflicting classifications (1 of 4 stars). 7 submissions from 7 submitters: Uncertain significance (5); Likely benign (1). 1 of the submissions does not count toward it. Last evaluated 2025-11-03.

Conditions:
Hereditary cancer-predisposing syndrome. Also called: Tumor predisposition; Hereditary neoplastic syndrome; Hereditary Cancer Syndrome; Neoplastic Syndromes, Hereditary. Identifiers: Orphanet 140162, MedGen C0027672, MeSH D009386, MONDO:0015356.
Hereditary breast ovarian cancer syndrome. Also called: Hereditary breast and/or ovarian cancer syndrome; Breast and ovarian cancer; Hereditary breast and ovarian cancer syndrome; Hereditary breast and ovarian cancer; Hereditary breast and ovarian cancer syndrome (HBOC); BRCA1- and BRCA2-Associated Hereditary Breast and Ovarian Cancer. Identifiers: Orphanet 145, MedGen C0677776, MeSH D061325, MONDO:0003582. Disease mechanism: loss of function.
Breast-ovarian cancer, familial, susceptibility to, 1 (BROVCA1). Also called: BRCA1 Hereditary Breast and Ovarian Cancer; OVARIAN CANCER, SUSCEPTIBILITY TO. Identifiers: Orphanet 145, MedGen C2676676, MONDO:0011450, OMIM 604370. Disease mechanism: loss of function.

Allele frequency attached by ClinVar (database versions not stated): gnomAD exomes below 0.00001 and 0.00001; ExAC 0.00001.
gnomAD v4.1: 3 of 1,613,924 alleles (0.00019%); highest among the groups gnomAD compares: Non-Finnish European, 0.00025%; no homozygotes.

Submissions (7):

Labcorp Genetics (formerly Invitae), Labcorp
Classification: Uncertain significance for Hereditary breast ovarian cancer syndrome. Last evaluated: 2025-11-03. Review status: criteria provided, single submitter. Criteria: Invitae Variant Classification Sherloc (09022015). Collection method: clinical testing. Allele origin: germline.
Comment: This sequence change replaces serine, which is neutral and polar, with asparagine, which is neutral and polar, at codon 1057 of the BRCA1 protein (p.Ser1057Asn). This variant is present in population databases (rs587776487, gnomAD 0.0009%). This variant has not been reported in the literature in individuals affected with BRCA1-related conditions. ClinVar contains an entry for this variant (Variation ID: 156191). Invitae Evidence Modeling of protein sequence and biophysical properties (such as structural, functional, and spatial information, amino acid conservation, physicochemical variation, residue mobility, and thermodynamic stability) indicates that this missense variant is not expected to disrupt BRCA1 protein function with a negative predictive value of 95%. In summary, the available evidence is currently insufficient to determine the role of this variant in disease. Therefore, it has been classified as a Variant of Uncertain Significance.

Ambry Genetics
Classification: Uncertain significance for Hereditary cancer-predisposing syndrome. Last evaluated: 2024-04-22. Review status: criteria provided, single submitter. Criteria: Ambry Variant Classification Scheme 2023. Collection method: clinical testing. Allele origin: germline.
Comment: The p.S1057N variant (also known as c.3170G>A), located in coding exon 9 of the BRCA1 gene, results from a G to A substitution at nucleotide position 3170. The serine at codon 1057 is replaced by asparagine, an amino acid with highly similar properties. This amino acid position is highly conserved in available vertebrate species. In addition, the in silico prediction for this alteration is inconclusive. Since supporting evidence is limited at this time, the clinical significance of this alteration remains unclear.

All of Us Research Program, National Institutes of Health
Classification: Uncertain significance for Breast-ovarian cancer, familial, susceptibility to, 1. Last evaluated: 2023-06-08. Review status: criteria provided, single submitter. Criteria: ACMG Guidelines, 2015. Collection method: clinical testing. Allele origin: germline. Inheritance: Autosomal dominant inheritance. Observed: 1 variant allele, 1 heterozygote.
Comment: This missense variant replaces serine with asparagine at codon 1057 of the BRCA1 protein. Computational prediction is inconclusive regarding the impact of this variant on protein structure and function (internally defined REVEL score threshold 0.5 < inconclusive < 0.7, PMID: 27666373). To our knowledge, functional studies have not been reported for this variant. This variant has not been reported in individuals affected with BRCA1-related disorders in the literature. This variant has been identified in 1/250824 chromosomes in the general population by the Genome Aggregation Database (gnomAD). The available evidence is insufficient to determine the role of this variant in disease conclusively. Therefore, this variant is classified as a Variant of Uncertain Significance.

This study involves interpretation of variants in research participants for the purpose of population health screening. Participant phenotype was not available at the time of variant classification. Additional details can be found in publication PMID: 35346344, PMCID: PMC8962531

Color Diagnostics, LLC DBA Color Health
Classification: Uncertain significance for Hereditary cancer-predisposing syndrome. Last evaluated: 2023-05-11. Review status: criteria provided, single submitter. Criteria: ACMG Guidelines, 2015. Collection method: clinical testing. Allele origin: germline.
Comment: This missense variant replaces serine with asparagine at codon 1057 of the BRCA1 protein. Computational prediction is inconclusive regarding the impact of this variant on protein structure and function (internally defined REVEL score threshold 0.5 < inconclusive < 0.7, PMID: 27666373). To our knowledge, functional studies have not been reported for this variant. This variant has not been reported in individuals affected with BRCA1-related disorders in the literature. This variant has been identified in 1/250824 chromosomes in the general population by the Genome Aggregation Database (gnomAD). The available evidence is insufficient to determine the role of this variant in disease conclusively. Therefore, this variant is classified as a Variant of Uncertain Significance.

University of Washington Department of Laboratory Medicine, University of Washington
Classification: Likely benign for Hereditary cancer-predisposing syndrome. Last evaluated: 2023-03-23. Review status: criteria provided, single submitter. Criteria: Dines et al. (Genet Med. 2020). Collection method: curation. Allele origin: germline.
Comment: Missense variant in a coldspot region where missense variants are very unlikely to be pathogenic (PMID:31911673).

BRCA1 coldspot (exon 11 using historical exon numbering). Reclassification based on statistical prior probability

GeneDx
Classification: Uncertain significance. Last evaluated: 2017-04-24. Review status: criteria provided, single submitter. Criteria: GeneDx Variant Classification (06012015). Collection method: clinical testing. Allele origin: germline. Affected: yes.
Comment: This variant is denoted BRCA1 c.3170G>A at the cDNA level, p.Ser1057Asn (S1057N) at the protein level, and results in the change of a Serine to an Asparagine (AGT>AAT). Using alternate nomenclature, this variant would be defined as BRCA1 3289G>A. This variant has not, to our knowledge, been published in the literature as pathogenic or benign. BRCA1 Ser1057Asn was not observed at a significant allele frequency in large population cohorts (NHLBI Exome Sequencing Project, The 1000 Genomes Consortium 2015, Lek 2016). Since Serine and Asparagine share similar properties, this is considered a conservative amino acid substitution. BRCA1 Ser1057Asn occurs at a position that is not conserved and is located in the DNA Binding domain as well as a region of interaction with RAD51 (Narod 2004, Chen 1998). In silico analyses are inconsistent regarding the effect this variant may have on protein structure and function. Based on currently available evidence, it is unclear whether BRCA1 Ser1057Asn is a pathogenic or benign variant. We consider it to be a variant of uncertain significance.

Sharing Clinical Reports Project (SCRP)
Classification: Uncertain significance for Breast-ovarian cancer, familial 1. Last evaluated: 2008-02-14. Review status: no assertion criteria provided. Collection method: clinical testing. Allele origin: germline. Not counted in ClinVar's aggregate classification.